The following is an entry in ClinVar:

ClinVar aggregate classification (germline): Benign/Likely benign. Review status: criteria provided, multiple submitters, no conflicts (2 of 4 stars). 3 submissions from 3 submitters: Benign (1); Likely benign (2). Last evaluated 2026-01-07.

Allele frequency attached by ClinVar (database versions not stated): ExAC 0.00003; TOPMed 0.00006; ESP Exome Variant Server 0.00008; gnomAD 0.00009; 1000 Genomes Project 30x 0.00016; 1000 Genomes Project 0.00020.
gnomAD v4.1: 113 of 1,614,204 alleles (0.007%); highest among the groups gnomAD compares: Non-Finnish European, 0.0078%; no homozygotes.

Submissions (3):

Labcorp Genetics (formerly Invitae), Labcorp
Classification: Benign. Last evaluated: 2026-01-07. Review status: criteria provided, single submitter. Criteria: Invitae Variant Classification Sherloc (09022015). Collection method: clinical testing. Allele origin: germline.

CeGaT Center for Human Genetics Tuebingen
Classification: Likely benign. Last evaluated: 2026-01-01. Review status: criteria provided, single submitter. Criteria: CeGaT Center For Human Genetics Tuebingen Variant Classification Criteria Version 2. Collection method: clinical testing. Allele origin: germline. Affected: yes. Observed: 2 variant alleles.
Comment: ARID1A: PP2, BS1

Laboratory of Genetics, Children's Clinical University Hospital Latvia
Classification: Likely benign. Last evaluated: 2025-02-16. Review status: criteria provided, single submitter. Criteria: ACMG Guidelines, 2015. Collection method: clinical testing. Allele origin: germline. Affected: yes.

NM_006015.6(ARID1A):c.3873G>T (p.Glu1291Asp)

Gene: ARID1A (AT-rich interaction domain 1A; plus strand). Cytogenetic location: 1p36.11.
Variant type: single nucleotide variant.
Coding change: c.3873G>T on transcript NM_006015.6 (MANE Select); coding-DNA position 3873, G replaced by T.
Protein change: p.Glu1291Asp; replaces glutamic acid 1291 with aspartic acid.
Molecular consequence: missense variant.
Genome position (GRCh38, 1-based): chr1:26,773,586, G>T. VCF-style: chr1-26773586-G-T. GRCh37 (hg19) VCF-style: chr1-27100077-G-T.
Other names: c.3873G>T, p.Glu1291Asp (NM_139135.4); short protein forms E1291D.
Identifiers: ClinVar variation 2638534 (VCV002638534.28), dbSNP rs201904230, ClinGen allele CA707339.